The following is an entry in ClinVar:

NM_000222.3(KIT):c.2581G>A (p.Glu861Lys)

Gene: KIT (KIT proto-oncogene, receptor tyrosine kinase; plus strand). Cytogenetic location: 4q12.
Variant type: single nucleotide variant.
Coding change: c.2581G>A on transcript NM_000222.3 (MANE Select); coding-DNA position 2581, G replaced by A.
Protein change: p.Glu861Lys; replaces glutamic acid 861 with lysine.
Molecular consequence: missense variant.
Genome position (GRCh38, 1-based): chr4:54,736,594, G>A. VCF-style: chr4-54736594-G-A. GRCh37 (hg19) VCF-style: chr4-55602760-G-A.
Other names: c.2569G>A, p.Glu857Lys (NM_001093772.2, NM_001385292.1); c.2584G>A, p.Glu862Lys (NM_001385284.1); c.2578G>A, p.Glu860Lys (NM_001385285.1); c.2566G>A, p.Glu856Lys (NM_001385286.1); c.2572G>A, p.Glu858Lys (NM_001385288.1); c.2581G>A, p.Glu861Lys (NM_001385290.1); short protein forms E861K, E857K, E856K, E858K, E860K, E862K.
Identifiers: ClinVar variation 458923 (VCV000458923.10), dbSNP rs1553893452, ClinGen allele CA356913377.

ClinVar aggregate classification (germline): Uncertain significance. Review status: criteria provided, multiple submitters, no conflicts (2 of 4 stars). 2 submissions from 2 submitters: Uncertain significance (2). Last evaluated 2025-08-20.

Conditions:
Hereditary cancer-predisposing syndrome. Also called: Tumor predisposition; Hereditary neoplastic syndrome; Neoplastic Syndromes, Hereditary; Hereditary Cancer Syndrome. Identifiers: Orphanet 140162, MedGen C0027672, MeSH D009386, MONDO:0015356.
Gastrointestinal stromal tumor. Also called: Gastrointestinal stroma tumor; Gastrointestinal stromal tumor, somatic. Identifiers: Orphanet 44890, MedGen C0238198, MeSH D046152, MONDO:0011719, OMIM 606764, HP:0100723.

Submissions (2):

Ambry Genetics
Classification: Uncertain significance for Hereditary cancer-predisposing syndrome. Last evaluated: 2025-08-20. Review status: criteria provided, single submitter. Criteria: Ambry Variant Classification Scheme 2023. Collection method: clinical testing. Allele origin: germline.
Comment: The p.E861K variant (also known as c.2581G>A), located in coding exon 18 of the KIT gene, results from a G to A substitution at nucleotide position 2581. The glutamic acid at codon 861 is replaced by lysine, an amino acid with similar properties. This amino acid position is highly conserved in available vertebrate species. In addition, this alteration is predicted to be deleterious by in silico analysis. Based on the available evidence, the clinical significance of this variant remains unclear.

Labcorp Genetics (formerly Invitae), Labcorp
Classification: Uncertain significance for Gastrointestinal stromal tumor. Last evaluated: 2017-06-26. Review status: criteria provided, single submitter. Criteria: Invitae Variant Classification Sherloc (09022015). Collection method: clinical testing. Allele origin: germline.
Comment: This sequence change replaces glutamic acid with lysine at codon 861 of the KIT protein (p.Glu861Lys). The glutamic acid residue is highly conserved and there is a small physicochemical difference between glutamic acid and lysine. This variant is not present in population databases (ExAC no frequency). This variant has not been reported in the literature in individuals with KIT-related disease. Algorithms developed to predict the effect of missense changes on protein structure and function (SIFT, PolyPhen-2, Align-GVGD) all suggest that this variant is likely to be disruptive, but these predictions have not been confirmed by published functional studies and their clinical significance is uncertain. In summary, the available evidence is currently insufficient to determine the role of this variant in disease. Therefore, it has been classified as a Variant of Uncertain Significance.